The following is an entry in ClinVar:

ClinVar aggregate classification (germline): Uncertain significance. Review status: criteria provided, multiple submitters, no conflicts (2 of 4 stars). 2 submissions from 2 submitters: Uncertain significance (2). Last evaluated 2025-02-28.

Conditions:
Inborn genetic diseases. Identifiers: MedGen C0950123, MeSH D030342.

Allele frequency attached by ClinVar (database versions not stated): gnomAD exomes 0.00001; gnomAD 0.00008 and 0.00010.
gnomAD v4.1: 27 of 1,613,972 alleles (0.0017%); highest among the groups gnomAD compares: African/African-American, 0.023%; no homozygotes.

Submissions (2):

Ambry Genetics
Classification: Uncertain significance for Inborn genetic diseases. Last evaluated: 2025-02-28. Review status: criteria provided, single submitter. Criteria: Ambry Variant Classification Scheme 2023. Collection method: clinical testing. Allele origin: germline.

Labcorp Genetics (formerly Invitae), Labcorp
Classification: Uncertain significance. Last evaluated: 2021-10-28. Review status: criteria provided, single submitter. Criteria: Invitae Variant Classification Sherloc (09022015). Collection method: clinical testing. Allele origin: germline.
Comment: In summary, the available evidence is currently insufficient to determine the role of this variant in disease. Therefore, it has been classified as a Variant of Uncertain Significance. This sequence change replaces proline, which is neutral and non-polar, with threonine, which is neutral and polar, at codon 564 of the LRRK1 protein (p.Pro564Thr). This variant is present in population databases (no rsID available, gnomAD 0.006%). This variant has not been reported in the literature in individuals affected with LRRK1-related conditions. Algorithms developed to predict the effect of missense changes on protein structure and function are either unavailable or do not agree on the potential impact of this missense change (SIFT: "Deleterious"; PolyPhen-2: "Probably Damaging"; Align-GVGD: "Class C0").

NM_024652.6(LRRK1):c.1690C>A (p.Pro564Thr)

Gene: LRRK1 (leucine rich repeat kinase 1; plus strand). Cytogenetic location: 15q26.3.
Variant type: single nucleotide variant.
Coding change: c.1690C>A on transcript NM_024652.6 (MANE Select); coding-DNA position 1690, C replaced by A.
Protein change: p.Pro564Thr; replaces proline 564 with threonine.
Molecular consequence: missense variant.
Genome position (GRCh38, 1-based): chr15:101,021,133, C>A. VCF-style: chr15-101021133-C-A. GRCh37 (hg19) VCF-style: chr15-101561338-C-A.
Other names: c.1690C>A (NM_024652.3); short protein forms P564T.
Identifiers: ClinVar variation 1445914 (VCV001445914.7), dbSNP rs867186599, ClinGen allele CA275629870.
Genomic context (GRCh38, chr15:101,021,133, plus strand): 5'-GCCTTCCTAAGTGAGTCTTTGGAAGTCCTTTGCCTGAACGACAACCACCTCGACACAGTC[C>A]CTCCCTCGGTTTGCCTACTGAAGAGCTTATCAGAGCTCTACTTGGGAAAGTAAGTACACA-3'
Protein context (NP_078928.3, residues 554-574): CLNDNHLDTV[Pro564Thr]PSVCLLKSLS